The following is an entry in ClinVar:

NM_198578.4(LRRK2):c.1538T>C (p.Val513Ala)

Gene: LRRK2 (leucine rich repeat kinase 2; plus strand). Cytogenetic location: 12q12.
Variant type: single nucleotide variant.
Coding change: c.1538T>C on transcript NM_198578.4 (MANE Select); coding-DNA position 1538, T replaced by C.
Protein change: p.Val513Ala; replaces valine 513 with alanine.
Molecular consequence: missense variant.
Genome position (GRCh38, 1-based): chr12:40,259,599, T>C. VCF-style: chr12-40259599-T-C. GRCh37 (hg19) VCF-style: chr12-40653401-T-C.
Other names: short protein forms V513A.
Identifiers: ClinVar variation 1774764 (VCV001774764.2), dbSNP rs2499551107, ClinGen allele CA384411804.

ClinVar aggregate classification (germline): Uncertain significance (1 of 4 stars; one submission).

Conditions:
Inborn genetic diseases. Identifiers: MedGen C0950123, MeSH D030342.

gnomAD v4.1: 1 of 1,613,102 alleles (0.000062%); no homozygotes.

Submission:

Ambry Genetics
Classification: Uncertain significance for Inborn genetic diseases. Last evaluated: 2022-07-13. Review status: criteria provided, single submitter. Criteria: Ambry Variant Classification Scheme 2023. Collection method: clinical testing. Allele origin: germline.
Comment: The p.V513A variant (also known as c.1538T>C), located in coding exon 13 of the LRRK2 gene, results from a T to C substitution at nucleotide position 1538. The valine at codon 513 is replaced by alanine, an amino acid with similar properties. This amino acid position is conserved. In addition, this alteration is predicted to be tolerated by in silico analysis. Since supporting evidence is limited at this time, the clinical significance of this alteration remains unclear.